The following is an entry in ClinVar:

NM_000023.4(SGCA):c.1063C>T (p.Arg355Trp)

Gene: SGCA (sarcoglycan alpha; plus strand). Cytogenetic location: 17q21.33.
Variant type: single nucleotide variant.
Coding change: c.1063C>T on transcript NM_000023.4 (MANE Select); coding-DNA position 1063, C replaced by T.
Protein change: p.Arg355Trp; replaces arginine 355 with tryptophan.
Molecular consequence: missense variant. On other transcripts: non-coding transcript variant (1).
Genome position (GRCh38, 1-based): chr17:50,175,336, C>T. VCF-style: chr17-50175336-C-T. GRCh37 (hg19) VCF-style: chr17-48252697-C-T.
Other names: c.1063C>T (NM_000023.3); c.691C>T, p.Arg231Trp (NM_001135697.3); short protein forms R355W, R231W.
Identifiers: ClinVar variation 324045 (VCV000324045.32), dbSNP rs766855169, ClinGen allele CA8644078.
Genomic context (GRCh38, chr17:50,175,336, plus strand): 5'-TGCACCATCCACGGGAACACAGAGGAGCTGCGGCAGATGGCGGCCAGCCGCGAGGTGCCC[C>T]GGCCACTCTCCACCCTGCCCATGTTCAATGTGCACACAGGTGAGCGGCTGCCTCCCCGCG-3'
Protein context (NP_000014.1, residues 345-365): RQMAASREVP[Arg355Trp]PLSTLPMFNV

ClinVar aggregate classification (germline): Uncertain significance. Review status: criteria provided, multiple submitters, no conflicts (2 of 4 stars). 6 submissions from 6 submitters: Uncertain significance (6). Last evaluated 2025-02-18.

Conditions:
SGCA-related disorder. Also called: SGCA-related condition.
Sarcoglycanopathy. Identifiers: Orphanet 207052, MedGen C2936331, MONDO:0016140.
Autosomal recessive limb-girdle muscular dystrophy type 2D (LGMDR3). Also called: MUSCULAR DYSTROPHY, LIMB-GIRDLE, AUTOSOMAL RECESSIVE 3; DUCHENNE-LIKE AUTOSOMAL RECESSIVE MUSCULAR DYSTROPHY, TYPE 2; ADHALINOPATHY, PRIMARY. Identifiers: Orphanet 62, MedGen C2936332, MONDO:0011968, OMIM 608099. Disease mechanism: Affects gamma-sarcoglycan and also disrupts the integrity of the entire sarcoglycan complex..

Allele frequency attached by ClinVar (database versions not stated): gnomAD exomes 0.00003 and 0.00011; gnomAD 0.00005 and 0.00006; ExAC 0.00007; TOPMed 0.00008.
gnomAD v4.1: 167 of 1,611,046 alleles (0.01%); highest among the groups gnomAD compares: Non-Finnish European, 0.013%; no homozygotes.

Submissions (6):

PreventionGenetics, part of Exact Sciences
Classification: Uncertain significance for SGCA-related condition. Last evaluated: 2025-02-18. Review status: criteria provided, single submitter. Criteria: ACMG Guidelines, 2015. Collection method: clinical testing. Allele origin: germline.
Comment: The SGCA c.1063C>T variant is predicted to result in the amino acid substitution p.Arg355Trp. To our knowledge, this variant has not been reported in the literature. This variant is reported in 0.0064% of alleles in individuals of European (Non-Finnish) descent in gnomAD. At this time, the clinical significance of this variant is uncertain due to the absence of conclusive functional and genetic evidence.

CeGaT Center for Human Genetics Tuebingen
Classification: Uncertain significance. Last evaluated: 2024-01-01. Review status: criteria provided, single submitter. Criteria: CeGaT Center For Human Genetics Tuebingen Variant Classification Criteria Version 2. Collection method: clinical testing. Allele origin: germline. Affected: yes. Observed: 1 variant allele.
Comment: SGCA: PM2

Genome-Nilou Lab
Classification: Uncertain significance for Autosomal recessive limb-girdle muscular dystrophy type 2D. Last evaluated: 2023-02-08. Review status: criteria provided, single submitter. Criteria: ACMG Guidelines, 2015. Collection method: clinical testing. Allele origin: germline.

Labcorp Genetics (formerly Invitae), Labcorp
Classification: Uncertain significance for Autosomal recessive limb-girdle muscular dystrophy type 2D. Last evaluated: 2022-04-05. Review status: criteria provided, single submitter. Criteria: Invitae Variant Classification Sherloc (09022015). Collection method: clinical testing. Allele origin: germline.
Comment: This sequence change replaces arginine, which is basic and polar, with tryptophan, which is neutral and slightly polar, at codon 355 of the SGCA protein (p.Arg355Trp). This variant is present in population databases (rs766855169, gnomAD 0.006%). This variant has not been reported in the literature in individuals affected with SGCA-related conditions. ClinVar contains an entry for this variant (Variation ID: 324045). Advanced modeling of protein sequence and biophysical properties (such as structural, functional, and spatial information, amino acid conservation, physicochemical variation, residue mobility, and thermodynamic stability) performed at Invitae indicates that this missense variant is expected to disrupt SGCA protein function. In summary, the available evidence is currently insufficient to determine the role of this variant in disease. Therefore, it has been classified as a Variant of Uncertain Significance.

Revvity Omics, Revvity
Classification: Uncertain significance for Autosomal recessive limb-girdle muscular dystrophy type 2D. Last evaluated: 2021-09-23. Review status: criteria provided, single submitter. Criteria: ACMG Guidelines, 2015. Collection method: clinical testing. Allele origin: germline.

Illumina Laboratory Services, Illumina
Classification: Uncertain significance for Sarcoglycanopathy. Last evaluated: 2018-01-13. Review status: criteria provided, single submitter. Criteria: ICSL Variant Classification Criteria 13 December 2019. Collection method: clinical testing. Allele origin: germline.